The following is an entry in ClinVar:

ClinVar aggregate classification (germline): Pathogenic. Review status: criteria provided, single submitter (1 of 4 stars). 3 submissions from 3 submitters: Pathogenic (1). 2 of the submissions do not count toward it. Last evaluated 2024-09-30.

Conditions:
Mucolipidosis type II. Also called: Mucolipidosis 2; ML 2; Inclusion cell disease; Leroy Disease; N-acetylglucosamine 1phosphotransferase deficiency; ML disorder type 2. Identifiers: Orphanet 576, MedGen C2673377, MONDO:0009650, OMIM 252500.

Submissions (3):

Natera, Inc.
Classification: Pathogenic for Mucolipidosis type II. Last evaluated: 2024-09-30. Review status: criteria provided, single submitter. Criteria: Natera Variant Classification Schema (03/2026). Collection method: clinical testing. Allele origin: germline.
Comment: The c.3173C>G variant in GNPTAB is a nonsense variant predicted to introduce a stop codon at amino acid 1058. This variant is expected to result in nonsense mediated decay, truncation, or a dysfunctional protein product. This variant is rare in the general population with a frequency below the threshold expected for the associated phenotype(s). This variant has been observed in one or more individuals affected with the associated recessive disease, as either homozygous or compound heterozygous with a second variant (PMID: 16116615). Given the available evidence, this variant is classified as Pathogenic.

OMIM
Classification: Pathogenic for MUCOLIPIDOSIS II ALPHA/BETA. Last evaluated: 2026-08-21. Review status: no assertion criteria provided. Collection method: literature only. Allele origin: germline. Not counted in ClinVar's aggregate classification.

GeneReviews
Classification: Pathogenic for Mucolipidosis III Alpha/Beta. Last evaluated: 2012-05-10. Review status: no assertion criteria provided. Collection method: curation. Allele origin: unknown. Not counted in ClinVar's aggregate classification.
ClinVar note: Converted during submission from pathologic to Pathogenic.

Literature cited by the submitters: PubMed 16116615 (cited by Natera, Inc.); Paik, K. H., Song, S. M., Ki, C. S., Yu, H.-W., Kim, J. S., Min, K. H., Chang, S. H., Yoo, E. J., Lee, I. J., Kwan, E. K., Han, S. J., Jin, D.-K. Identification of mutations in the GNPTA (MGC4170) gene coding for GlcNAc-phosphotransferase alpha/beta subunits in Korean patients with mucolipidosis type II or type IIIA. Hum. Mutat. 26: 308-314, 2005. (cited by OMIM).

NM_024312.5(GNPTAB):c.3173C>G (p.Ser1058Ter)

Gene: GNPTAB (N-acetylglucosamine-1-phosphate transferase subunits alpha and beta; minus strand). Cytogenetic location: 12q23.2.
Variant type: single nucleotide variant.
Coding change: c.3173C>G on transcript NM_024312.5 (MANE Select); coding-DNA position 3173, C replaced by G.
Protein change: p.Ser1058Ter; replaces serine 1058 with a stop codon.
Molecular consequence: nonsense.
Genome position (GRCh38, 1-based): chr12:101,760,106, G>C on the plus strand (C>G on the coding strand, the complement: GNPTAB is on the minus strand). VCF-style: chr12-101760106-G-C. GRCh37 (hg19) VCF-style: chr12-102153884-G-C.
Other names: AY687932:c.3173C>G; short protein forms S1058*.
Identifiers: ClinVar variation 2765 (VCV000002765.5), dbSNP rs137852898, ClinGen allele CA340011.